The following is an entry in ClinVar:

ClinVar aggregate classification (germline): Uncertain significance. Review status: criteria provided, multiple submitters, no conflicts (2 of 4 stars). 3 submissions from 3 submitters: Uncertain significance (3). Last evaluated 2024-08-05.

Conditions:
Early-infantile DEE. Also called: Ohtahara syndrome; Early infantile epileptic encephalopathy with suppression bursts; Early infantile epileptic encephalopathy. Identifiers: Orphanet 1934, MedGen C0393706, MONDO:0800491.
Developmental and epileptic encephalopathy, 5 (DEE5). Identifiers: Orphanet 3451, MedGen C3150731, MONDO:0013277, OMIM 613477.

gnomAD v4.1: 12 of 1,614,184 alleles (0.00074%); highest among the groups gnomAD compares: Non-Finnish European, 0.001%; no homozygotes.

Submissions (3):

Labcorp Genetics (formerly Invitae), Labcorp
Classification: Uncertain significance for Early-infantile DEE. Last evaluated: 2024-08-05. Review status: criteria provided, single submitter. Criteria: Invitae Variant Classification Sherloc (09022015). Collection method: clinical testing. Allele origin: germline.
Comment: This sequence change replaces arginine, which is basic and polar, with serine, which is neutral and polar, at codon 1331 of the SPTAN1 protein (p.Arg1331Ser). This variant is not present in population databases (gnomAD no frequency). This variant has not been reported in the literature in individuals affected with SPTAN1-related conditions. ClinVar contains an entry for this variant (Variation ID: 1187699). Advanced modeling of protein sequence and biophysical properties (such as structural, functional, and spatial information, amino acid conservation, physicochemical variation, residue mobility, and thermodynamic stability) has been performed at Invitae for this missense variant, however the output from this modeling did not meet the statistical confidence thresholds required to predict the impact of this variant on SPTAN1 protein function. In summary, the available evidence is currently insufficient to determine the role of this variant in disease. Therefore, it has been classified as a Variant of Uncertain Significance.

Baylor Genetics
Classification: Uncertain significance for Developmental and epileptic encephalopathy, 5. Last evaluated: 2021-03-09. Review status: criteria provided, single submitter. Criteria: ACMG Guidelines, 2015. Collection method: clinical testing. Allele origin: unknown.

GeneDx
Classification: Uncertain significance. Last evaluated: 2019-04-16. Review status: criteria provided, single submitter. Criteria: GeneDx Variant Classification Process June 2021. Collection method: clinical testing. Allele origin: germline. Affected: yes.
Comment: Not observed in large population cohorts (Lek et al., 2016); In silico analysis, which includes protein predictors and evolutionary conservation, supports a deleterious effect; Has not been previously published as pathogenic or benign to our knowledge; Previously reported pathogenic variants in SPTAN1 include in-frame deletions or duplications located within the last four spectrin repeats of the protein, which are essential for dimerization (Saitsu et al., 2010), and the R1331 residue is outside this region

NM_001130438.3(SPTAN1):c.3991C>A (p.Arg1331Ser)

Gene: SPTAN1 (spectrin alpha, non-erythrocytic 1; plus strand). Cytogenetic location: 9q34.11.
Variant type: single nucleotide variant.
Coding change: c.3991C>A on transcript NM_001130438.3 (MANE Select); coding-DNA position 3991, C replaced by A.
Protein change: p.Arg1331Ser; replaces arginine 1331 with serine.
Molecular consequence: missense variant.
Genome position (GRCh38, 1-based): chr9:128,605,422, C>A. VCF-style: chr9-128605422-C-A. GRCh37 (hg19) VCF-style: chr9-131367701-C-A.
Other names: c.3931C>A, p.Arg1311Ser (NM_001195532.2, NM_001375314.2, NM_001363765.2); c.3991C>A, p.Arg1331Ser (NM_001363759.2, NM_001375313.1, NM_001375310.1 and 2 more transcripts); c.4027C>A, p.Arg1343Ser (NM_001375318.1, NM_001375312.2); short protein forms R1311S, R1331S, R1343S.
Identifiers: ClinVar variation 1187699 (VCV001187699.9), dbSNP rs1407200590, ClinGen allele CA375065339.